The following is an entry in ClinVar:

NM_213599.3(ANO5):c.1528C>G (p.Pro510Ala)

Gene: ANO5 (anoctamin 5; plus strand). Cytogenetic location: 11p14.3.
Variant type: single nucleotide variant.
Coding change: c.1528C>G on transcript NM_213599.3 (MANE Select); coding-DNA position 1528, C replaced by G.
Protein change: p.Pro510Ala; replaces proline 510 with alanine.
Molecular consequence: missense variant.
Genome position (GRCh38, 1-based): chr11:22,259,639, C>G. VCF-style: chr11-22259639-C-G. GRCh37 (hg19) VCF-style: chr11-22281185-C-G.
Other names: c.1525C>G, p.Pro509Ala (NM_001142649.2); c.1486C>G, p.Pro496Ala (NM_001410963.1); c.1483C>G, p.Pro495Ala (NM_001410964.1); short protein forms P495A, P496A, P510A, P509A.
Identifiers: ClinVar variation 2923074 (VCV002923074.3), dbSNP rs2494306752, ClinGen allele CA379922228.

ClinVar aggregate classification (germline): Uncertain significance (1 of 4 stars; one submission).

Conditions:
Autosomal recessive limb-girdle muscular dystrophy type 2L (LGMDR12). Also called: Limb-Girdle Muscular Dystrophy R12 Anoctamin-5-Related (LGMD-R12); MUSCULAR DYSTROPHY, LIMB-GIRDLE, AUTOSOMAL RECESSIVE 12; Limb-girdle muscular dystrophy, type 2L. Identifiers: Orphanet 206549, MedGen C1969785, MONDO:0012652, OMIM 611307.
Gnathodiaphyseal dysplasia (GDD). Also called: GNATHODIAPHYSEAL SCLEROSIS; OSTEOGENESIS IMPERFECTA WITH UNUSUAL SKELETAL LESIONS. Identifiers: Orphanet 53697, MedGen C1833736, MONDO:0008151, OMIM 166260.

Allele frequency attached by ClinVar (database versions not stated): gnomAD exomes 0.00002.
gnomAD v4.1: 22 of 1,614,038 alleles (0.0014%); highest among the groups gnomAD compares: Non-Finnish European, 0.0019%; no homozygotes.

Submission:

Labcorp Genetics (formerly Invitae), Labcorp
Classification: Uncertain significance for Autosomal recessive limb-girdle muscular dystrophy type 2L; Gnathodiaphyseal dysplasia. Last evaluated: 2023-11-14. Review status: criteria provided, single submitter. Criteria: Invitae Variant Classification Sherloc (09022015). Collection method: clinical testing. Allele origin: germline.
Comment: This sequence change replaces proline, which is neutral and non-polar, with alanine, which is neutral and non-polar, at codon 510 of the ANO5 protein (p.Pro510Ala). This variant is not present in population databases (gnomAD no frequency). This variant has not been reported in the literature in individuals affected with ANO5-related conditions. Advanced modeling of protein sequence and biophysical properties (such as structural, functional, and spatial information, amino acid conservation, physicochemical variation, residue mobility, and thermodynamic stability) has been performed at Invitae for this missense variant, however the output from this modeling did not meet the statistical confidence thresholds required to predict the impact of this variant on ANO5 protein function. In summary, the available evidence is currently insufficient to determine the role of this variant in disease. Therefore, it has been classified as a Variant of Uncertain Significance.